The following is an entry in ClinVar:

NM_004958.4(MTOR):c.3801+2C>T

Gene: MTOR (mechanistic target of rapamycin kinase; minus strand). Cytogenetic location: 1p36.22.
Variant type: single nucleotide variant.
Coding change: c.3801+2C>T on transcript NM_004958.4 (MANE Select); the canonical splice donor site of the intron after coding-DNA position 3801, C replaced by T.
Molecular consequence: splice donor variant.
Genome position (GRCh38, 1-based): chr1:11,209,310, G>A on the plus strand (C>T on the coding strand, the complement: MTOR is on the minus strand). VCF-style: chr1-11209310-G-A. GRCh37 (hg19) VCF-style: chr1-11269367-G-A.
Other names: c.2553+2C>T (NM_001386501.1); c.3801+2C>T (NM_001386500.1).
Identifiers: ClinVar variation 2694268 (VCV002694268.3), dbSNP rs2523078303, ClinGen allele CA338370250.

ClinVar aggregate classification (germline): Uncertain significance (1 of 4 stars; one submission).

Allele frequency attached by ClinVar (database versions not stated): gnomAD exomes 0.00001.
gnomAD v4.1: 9 of 1,614,182 alleles (0.00056%); highest among the groups gnomAD compares: Non-Finnish European, 0.00076%; no homozygotes.

Submission:

Labcorp Genetics (formerly Invitae), Labcorp
Classification: Uncertain significance. Last evaluated: 2024-02-27. Review status: criteria provided, single submitter. Criteria: Invitae Variant Classification Sherloc (09022015). Collection method: clinical testing. Allele origin: germline.
Comment: This sequence change falls in intron 25 of the MTOR gene. It does not directly change the encoded amino acid sequence of the MTOR protein. It affects a nucleotide within the consensus splice site. This variant is not present in population databases (gnomAD no frequency). This variant has not been reported in the literature in individuals affected with MTOR-related conditions. Variants that disrupt the consensus splice site are a relatively common cause of aberrant splicing (PMID: 17576681, 9536098). In summary, the available evidence is currently insufficient to determine the role of this variant in disease. Therefore, it has been classified as a Variant of Uncertain Significance.

Literature cited by the submitters: PubMed 17576681; PubMed 9536098.